The following is an entry in ClinVar:

NM_000492.4(CFTR):c.3498C>G (p.Phe1166Leu)

Genes: CFTR (CF transmembrane conductance regulator; plus strand), CFTR-AS2 (CFTR antisense RNA 2; minus strand). Cytogenetic location: 7q31.2.
Variant type: single nucleotide variant.
Coding change: c.3498C>G on transcript NM_000492.4 (MANE Select); coding-DNA position 3498, C replaced by G.
Protein change: p.Phe1166Leu; replaces phenylalanine 1166 with leucine.
Molecular consequence: missense variant.
Genome position (GRCh38, 1-based): chr7:117,627,551, C>G. VCF-style: chr7-117627551-C-G. GRCh37 (hg19) VCF-style: chr7-117267605-C-G.
Other names: short protein forms F1166L.
Identifiers: ClinVar variation 1036122 (VCV001036122.8), dbSNP rs1792670307, ClinGen allele CA368996092.
Genomic context (GRCh38, chr7:117,627,551, plus strand): 5'-AAAAACAAAAATGTTGTTATTTTTATTTCAGATGCGATCTGTGAGCCGAGTCTTTAAGTT[C>G]ATTGACATGCCAACAGAAGGTAAACCTACCAAGTCAACCAAACCATACAAGAATGGCCAA-3'
Protein context (NP_000483.3, residues 1156-1176): LMRSVSRVFK[Phe1166Leu]IDMPTEGKPT

ClinVar aggregate classification (germline): Uncertain significance (1 of 4 stars; one submission).

Conditions:
Cystic fibrosis (CF). Also called: MUCOVISCIDOSIS. Identifiers: Orphanet 586, MedGen C0010674, MONDO:0009061, OMIM 219700. Disease mechanism: loss of function.

Submission:

Labcorp Genetics (formerly Invitae), Labcorp
Classification: Uncertain significance for Cystic fibrosis. Last evaluated: 2020-09-03. Review status: criteria provided, single submitter. Criteria: Invitae Variant Classification Sherloc (09022015). Collection method: clinical testing. Allele origin: germline.
Comment: In summary, the available evidence is currently insufficient to determine the role of this variant in disease. Therefore, it has been classified as a Variant of Uncertain Significance. Algorithms developed to predict the effect of missense changes on protein structure and function are either unavailable or do not agree on the potential impact of this missense change (SIFT: "Deleterious"; PolyPhen-2: "Benign"; Align-GVGD: "Class C0"). This variant has not been reported in the literature in individuals with CFTR-related conditions. This variant is not present in population databases (ExAC no frequency). This sequence change replaces phenylalanine with leucine at codon 1166 of the CFTR protein (p.Phe1166Leu). The phenylalanine residue is moderately conserved and there is a small physicochemical difference between phenylalanine and leucine.